The following is an entry in ClinVar:

NM_001267052.2(UNC45B):c.1830+8C>A

Gene: UNC45B (unc-45 myosin chaperone B; plus strand). Cytogenetic location: 17q12.
Variant type: single nucleotide variant.
Coding change: c.1830+8C>A on transcript NM_001267052.2 (MANE Select); 8 bases into the intron after coding-DNA position 1830, C replaced by A.
Molecular consequence: intron variant.
Genome position (GRCh38, 1-based): chr17:35,171,470, C>A. VCF-style: chr17-35171470-C-A. GRCh37 (hg19) VCF-style: chr17-33498489-C-A.
Other names: c.1830+8C>A (NM_001033576.2); c.1836+8C>A (NM_173167.3); c.1593+8C>A (NM_001308281.1).
Identifiers: ClinVar variation 708976 (VCV000708976.18), dbSNP rs147044360, ClinGen allele CA8501286.

ClinVar aggregate classification (germline): Likely benign. Review status: criteria provided, multiple submitters, no conflicts (2 of 4 stars). 3 submissions from 3 submitters: Likely benign (3). Last evaluated 2026-08-01.

Allele frequency attached by ClinVar (database versions not stated): 1000 Genomes Project 30x 0.00016; gnomAD 0.00018 and 0.00020; 1000 Genomes Project 0.00020; TOPMed 0.00020; gnomAD exomes 0.00024 and 0.00034; ExAC 0.00031.
gnomAD v4.1: 411 of 1,613,636 alleles (0.025%); highest among the groups gnomAD compares: Middle Eastern, 0.58%; 4 homozygotes.

Submissions (4):

CeGaT Center for Human Genetics Tuebingen
Classification: Likely benign. Last evaluated: 2026-08-01. Review status: criteria provided, single submitter. Criteria: CeGaT Center For Human Genetics Tuebingen Variant Classification Criteria Version 2. Collection method: clinical testing. Allele origin: germline. Affected: yes. Observed: 2 variant alleles.
Comment: UNC45B: BS1

Labcorp Genetics (formerly Invitae), Labcorp
Classification: Likely benign. Last evaluated: 2025-11-24. Review status: criteria provided, single submitter. Criteria: Invitae Variant Classification Sherloc (09022015). Collection method: clinical testing. Allele origin: germline.

Breakthrough Genomics
Classification: Likely benign. Review status: criteria provided, single submitter. Criteria: ACMG Guidelines, 2015. Collection method: not provided. Allele origin: germline. Inheritance: Autosomal recessive inheritance. Affected: yes.

Dr. Peter K. Rogan Lab, Western University
No classification provided (evidence only). Condition: Malignant tumor of esophagus. Review status: no classification provided. Collection method: in vitro. Allele origin: not applicable. Functional consequence: retained intron. Not counted in ClinVar's aggregate classification.